The following is an entry in ClinVar:

NM_016247.4(IMPG2):c.2274G>A (p.Trp758Ter)

Gene: IMPG2 (interphotoreceptor matrix proteoglycan 2; minus strand). Cytogenetic location: 3q12.3.
Variant type: single nucleotide variant.
Coding change: c.2274G>A on transcript NM_016247.4 (MANE Select); coding-DNA position 2274, G replaced by A.
Protein change: p.Trp758Ter; replaces tryptophan 758 with a stop codon.
Molecular consequence: nonsense.
Genome position (GRCh38, 1-based): chr3:101,244,057, C>T on the plus strand (G>A on the coding strand, the complement: IMPG2 is on the minus strand). VCF-style: chr3-101244057-C-T. GRCh37 (hg19) VCF-style: chr3-100962901-C-T.
Other names: short protein forms W758*.
Identifiers: ClinVar variation 191180 (VCV000191180.14), dbSNP rs786205564, ClinGen allele CA236194.
Genomic context (GRCh38, chr3:101,244,057, plus strand): 5'-TGGCAATATAGTCCACAAAGTTTGCATATCTGGCTTTACCATTGAAACCTCACTGTCAAA[C>T]CATTCATAGTTGGATGACTCAGTAATTTGTTCCATATCCTCCCTTAGGATGGCATCTGCC-3'

ClinVar aggregate classification (germline): Pathogenic/Likely pathogenic. Review status: criteria provided, multiple submitters, no conflicts (2 of 4 stars). 7 submissions from 6 submitters: Pathogenic (2); Likely pathogenic (2). 3 of the submissions do not count toward it. Last evaluated 2026-01-01.

Conditions:
IMPG2-related disorders.
Vitelliform macular dystrophy 5. Identifiers: Orphanet 99000, MedGen C4015343, MONDO:0014509, OMIM 616152.
Retinitis pigmentosa (RP). Identifiers: Orphanet 791, MedGen C0035334, MeSH D012174, MONDO:0019200, OMIM 268000. Inheritance: Autosomal dominant, autosomal recessive and X linked inheritance.
Autosomal recessive retinitis pigmentosa. Identifiers: MedGen C0339526.

Submissions (7):

CeGaT Center for Human Genetics Tuebingen
Classification: Pathogenic. Last evaluated: 2026-01-01. Review status: criteria provided, single submitter. Criteria: CeGaT Center For Human Genetics Tuebingen Variant Classification Criteria Version 2. Collection method: clinical testing. Allele origin: germline. Affected: yes. Observed: 1 variant allele.
Comment: IMPG2: PVS1, PM2, PM3, PP1:Moderate

Genomic Medicine Center of Excellence, King Faisal Specialist Hospital and Research Centre
Classification: Pathogenic for Vitelliform macular dystrophy 5. Last evaluated: 2024-03-17. Review status: criteria provided, single submitter. Criteria: ACMG Guidelines, 2015. Collection method: research. Allele origin: germline.

Revvity Omics, Revvity
Classification: Likely pathogenic. Last evaluated: 2021-08-10. Review status: criteria provided, single submitter. Criteria: ACMG Guidelines, 2015. Collection method: clinical testing. Allele origin: germline.

Blueprint Genetics
Classification: Likely pathogenic for IMPG2-related disorders. Last evaluated: 2019-03-18. Review status: criteria provided, single submitter. Criteria: ACMG Guidelines, 2015. Collection method: clinical testing. Allele origin: germline. Affected: yes. Observed: 1 variant allele.

Sharon lab, Hadassah-Hebrew University Medical Center
Classification: Pathogenic for Retinitis pigmentosa. Last evaluated: 2019-06-23. Review status: no assertion criteria provided. Collection method: research. Allele origin: inherited. Affected: yes. Not counted in ClinVar's aggregate classification.

Faculty of Health Sciences, Beirut Arab University
Classification: Pathogenic for Autosomal recessive Retinitis Pigmentosa. Last evaluated: 2018-09-03. Review status: no assertion criteria provided. Collection method: literature only. Allele origin: germline. Affected: yes. Observed: 7 variant alleles. Not counted in ClinVar's aggregate classification.

Genomic Medicine Center of Excellence, King Faisal Specialist Hospital and Research Centre
Classification: Likely pathogenic. Review status: flagged submission. Criteria: ACMG Guidelines, 2015. Collection method: research. Allele origin: germline. Affected: yes. Not counted in ClinVar's aggregate classification.
ClinVar note: Reason: This record appears to be redundant with a more recent record from the same submitter.
ClinVar note: Notes: SCV000221563 appears to be redundant with SCV004804984.

Literature cited by the submitters: PubMed 30054919 (cited by Faculty of Health Sciences, Beirut Arab University); PubMed 26355662 (cited by Faculty of Health Sciences, Beirut Arab University).